The following is an entry in ClinVar:

NM_182961.4(SYNE1):c.18450G>T (p.Leu6150=)

Gene: SYNE1 (spectrin repeat containing nuclear envelope protein 1; minus strand). Cytogenetic location: 6q25.2.
Variant type: single nucleotide variant.
Coding change: c.18450G>T on transcript NM_182961.4 (MANE Select); coding-DNA position 18450, G replaced by T.
Protein change: p.Leu6150=; no amino-acid change (leucine 6150 retained).
Molecular consequence: synonymous variant.
Genome position (GRCh38, 1-based): chr6:152,278,212, C>A on the plus strand (G>T on the coding strand, the complement: SYNE1 is on the minus strand). VCF-style: chr6-152278212-C-A. GRCh37 (hg19) VCF-style: chr6-152599347-C-A.
Other names: c.18237G>T, p.Leu6079= (NM_033071.5).
Identifiers: ClinVar variation 2657009 (VCV002657009.24), dbSNP rs2093778561, ClinGen allele CA452748749.

ClinVar aggregate classification (germline): Likely benign (1 of 4 stars; one submission).

Submission:

CeGaT Center for Human Genetics Tuebingen
Classification: Likely benign. Last evaluated: 2023-02-01. Review status: criteria provided, single submitter. Criteria: CeGaT Center For Human Genetics Tuebingen Variant Classification Criteria Version 2. Collection method: clinical testing. Allele origin: germline. Affected: yes. Observed: 1 variant allele.
Comment: SYNE1: PM2:Supporting, BP4, BP7